The following is an entry in ClinVar:

ClinVar aggregate classification (germline): Pathogenic/Likely pathogenic. Review status: criteria provided, multiple submitters, no conflicts (2 of 4 stars). 14 submissions from 11 submitters: Pathogenic (9); Likely pathogenic (2). 3 of the submissions do not count toward it. Last evaluated 2026-08-20.

Conditions:
ABCA4-related disorder. Also called: ABCA4-related disorders; ABCA4-related condition. Identifiers: MedGen CN239167.
Retinal dystrophy. Also called: Inherited retinal dystrophy. Identifiers: Orphanet 71862, MedGen C0854723, MeSH D058499, MONDO:0019118, HP:0000556.
Cone-rod dystrophy 3 (CORD3). Identifiers: Orphanet 1872, MedGen C1858806, MONDO:0011395, OMIM 604116.
Retinitis pigmentosa (RP). Identifiers: Orphanet 791, MedGen C0035334, MeSH D012174, MONDO:0019200, OMIM 268000. Inheritance: Autosomal dominant, autosomal recessive and X linked inheritance.
Severe early-childhood-onset retinal dystrophy (STGD1). Also called: MACULAR DYSTROPHY WITH FLECKS, TYPE 1; Stargardt macular dystrophy; Juvenile onset macular degeneration; Stargardt disease 1; STGD. Identifiers: Orphanet 364055, Orphanet 827, MedGen C1855465, MeSH D000080362, MONDO:0009549, OMIM 248200.

Allele frequency attached by ClinVar (database versions not stated): ExAC 0.00001; gnomAD 0.00001; gnomAD exomes 0.00001; TOPMed 0.00002; ESP Exome Variant Server 0.00008.
gnomAD v4.1: 10 of 1,613,856 alleles (0.00062%); highest among the groups gnomAD compares: Non-Finnish European, 0.00085%; no homozygotes.

Submissions (14):

Institute of Human Genetics, University of Leipzig Medical Center
Classification: Pathogenic for Severe early-childhood-onset retinal dystrophy. Last evaluated: 2026-08-20. Review status: criteria provided, single submitter. Criteria: ACMG Guidelines, 2015. Collection method: clinical testing. Allele origin: unknown. Inheritance: Autosomal recessive inheritance. Affected: yes.
Comment: Criteria applied: PM3_VSTR,PM5,PP3_MOD,PM2_SUP; Identified as compund heterozygous with NM_000350.3:c.2588G>C

GeneDx
Classification: Pathogenic. Last evaluated: 2026-02-03. Review status: criteria provided, single submitter. Criteria: GeneDx Variant Classification Process June 2021. Collection method: clinical testing. Allele origin: germline.
Comment: Not observed at significant frequency in large population cohorts (gnomAD); In silico analysis supports that this missense variant has a deleterious effect on protein structure/function; This variant is associated with the following publications: (PMID: 35120629, 31964843, 32307445, 34906470, 20647261, 28118664, 23591405, 9973280, 26976702, 17982420, 11673412, 24550365, 25324290, 29925512, 37979432, 37734845, 32531858, 22264887, 28044389, 28224992, 27939946, 20029649, 29555955, 28559085, 31618761, 34431609, 29971439, 38309476, 30643219, 37869022, 28355279, 25444351, 11726554)

PreventionGenetics, part of Exact Sciences
Classification: Pathogenic for ABCA4-related condition. Last evaluated: 2025-02-11. Review status: criteria provided, single submitter. Criteria: ACMG Guidelines, 2015. Collection method: clinical testing. Allele origin: germline.
Comment: The ABCA4 c.1822T>A variant is predicted to result in the amino acid substitution p.Phe608Ile. This variant has been reported, along with a second plausible causative variant in the same gene, in individuals with Stargardt disease (see for example: supplementary data, Thiadens et al. 2012. PubMed ID: 22264887; supplementary data, Glöckle et al. 2013. PubMed ID: 23591405; supplementary data, Haer-Wigman et al. 2017. PubMed ID: 28224992; supplementary data, Stone et al. 2017. PubMed ID: 28559085; supplementary data, Birtel et al. 2018. PubMed ID: 29555955; supplementary data, Fujinami et al. 2018. PubMed ID: 29925512; supplementary data, Runhart et al. 2019. PubMed ID: 31618761; supplementary data, Weisschuh et al. 2020. PubMed ID: 32531858), and in large cohorts of individuals with Stargardt disease (see for example: Lewis et al. 1999. PubMed ID: 9973280). This variant is reported in 0.0026% of alleles in individuals of European (Non-Finnish) descent in gnomAD. This variant is interpreted as pathogenic.

Labcorp Genetics (formerly Invitae), Labcorp
Classification: Pathogenic. Last evaluated: 2025-01-27. Review status: criteria provided, single submitter. Criteria: Invitae Variant Classification Sherloc (09022015). Collection method: clinical testing. Allele origin: germline.
Comment: This sequence change replaces phenylalanine, which is neutral and non-polar, with isoleucine, which is neutral and non-polar, at codon 608 of the ABCA4 protein (p.Phe608Ile). This variant is present in population databases (rs61752398, gnomAD 0.003%). This missense change has been observed in individual(s) with ABCA4-related conditions (PMID: 9973280, 22264887, 23591405, 28224992, 28559085, 29555955, 29925512). In at least one individual the data is consistent with being in trans (on the opposite chromosome) from a pathogenic variant. ClinVar contains an entry for this variant (Variation ID: 236087). Invitae Evidence Modeling of protein sequence and biophysical properties (such as structural, functional, and spatial information, amino acid conservation, physicochemical variation, residue mobility, and thermodynamic stability) indicates that this missense variant is expected to disrupt ABCA4 protein function with a positive predictive value of 95%. For these reasons, this variant has been classified as Pathogenic.

Women's Health and Genetics/Laboratory Corporation of America, LabCorp
Classification: Pathogenic for Retinitis pigmentosa. Last evaluated: 2024-09-27. Review status: criteria provided, single submitter. Criteria: LabCorp Variant Classification Summary - May 2015. Collection method: clinical testing. Allele origin: germline.
Comment: Variant summary: ABCA4 c.1822T>A (p.Phe608Ile) results in a non-conservative amino acid change in the encoded protein sequence. Five of five in-silico tools predict a damaging effect of the variant on protein function. The variant allele was found at a frequency of 1.2e-05 in 250744 control chromosomes. c.1822T>A has been reported in the literature in multiple compound heterozygous or homozygous individuals affected with Retinitis Pigmentosa and multiple compound heterozygous individuals affected with Stargardt disease (e.g. Weisschuh_2020). These data indicate that the variant is very likely to be associated with disease. To our knowledge, no experimental evidence demonstrating an impact on protein function has been reported. The following publication has been ascertained in the context of this evaluation (PMID: 32531858). ClinVar contains an entry for this variant (Variation ID: 236087). Based on the evidence outlined above, the variant was classified as pathogenic.

Blueprint Genetics
Classification: Pathogenic for ABCA4-related disorders. Last evaluated: 2024-07-03. Review status: criteria provided, single submitter. Criteria: ACMG Guidelines, 2015. Collection method: clinical testing. Allele origin: germline. Affected: yes. Observed: 5 variant alleles.

Institute of Human Genetics, Univ. Regensburg, Univ. Regensburg
Classification: Pathogenic for Retinal dystrophy. Last evaluated: 2022-01-01. Review status: criteria provided, single submitter. Criteria: ACMG Guidelines, 2015. Collection method: clinical testing. Allele origin: germline. Affected: yes.

Institute of Human Genetics, University of Leipzig Medical Center
Classification: Likely pathogenic for Cone-rod dystrophy 3. Last evaluated: 2021-08-03. Review status: criteria provided, single submitter. Criteria: ACMG Guidelines, 2015. Collection method: clinical testing. Allele origin: unknown. Affected: yes.
Comment: This variant was identified as compound heterozygous with NM_000350.3:c.5461-10T>C.

Ocular Genomics Institute, Massachusetts Eye and Ear
Classification: Likely pathogenic for Severe early-childhood-onset retinal dystrophy. Last evaluated: 2021-04-08. Review status: criteria provided, single submitter. Criteria: ACMG Guidelines, 2015. Collection method: research. Allele origin: germline. Affected: yes.
Comment: Through a review of available evidence we were able to apply the following criteria: PM2, PM3, PP1, PP3. Based on this evidence we have classified this variant as Likely Pathogenic.

CeGaT Center for Human Genetics Tuebingen
Classification: Pathogenic. Last evaluated: 2020-02-01. Review status: criteria provided, single submitter. Criteria: CeGaT Center For Human Genetics Tuebingen Variant Classification Criteria Version 2. Collection method: clinical testing. Allele origin: germline. Affected: yes. Observed: 7 variant alleles.

Institute of Human Genetics, Univ. Regensburg, Univ. Regensburg
Classification: Pathogenic for Severe early-childhood-onset retinal dystrophy. Last evaluated: 2016-01-01. Review status: criteria provided, single submitter. Criteria: Schulz et al. (Invest Ophthalmol Vis Sci. 2017). Collection method: clinical testing. Allele origin: germline. Affected: yes. Observed: 1 heterozygote.

Joint Genome Diagnostic Labs from Nijmegen and Maastricht, Radboudumc and MUMC+
Classification: Likely pathogenic for Severe early-childhood-onset retinal dystrophy. Last evaluated: 2016-09-01. Review status: no assertion criteria provided. Collection method: clinical testing. Allele origin: unknown. Affected: yes. Observed: 2 variant alleles. Not counted in ClinVar's aggregate classification.

Clinical Genetics, Academic Medical Center
Classification: Pathogenic. Review status: no assertion criteria provided. Collection method: clinical testing. Allele origin: germline. Affected: yes. Study: VKGL Data-share Consensus. Not counted in ClinVar's aggregate classification.

Joint Genome Diagnostic Labs from Nijmegen and Maastricht, Radboudumc and MUMC+
Classification: Likely pathogenic. Review status: no assertion criteria provided. Collection method: clinical testing. Allele origin: germline. Affected: yes. Study: VKGL Data-share Consensus. Not counted in ClinVar's aggregate classification.

Literature cited by the submitters: PubMed 9973280 (cited by 3 submitters); PubMed 22264887 (cited by 3 submitters); PubMed 23591405 (cited by Labcorp Genetics (formerly Invitae), Labcorp and Institute of Human Genetics, Univ. Regensburg, Univ. Regensburg); PubMed 28224992 (cited by 3 submitters); PubMed 28559085 (cited by Labcorp Genetics (formerly Invitae), Labcorp and Institute of Human Genetics, Univ. Regensburg, Univ. Regensburg); PubMed 29555955 (cited by Labcorp Genetics (formerly Invitae), Labcorp and Institute of Human Genetics, Univ. Regensburg, Univ. Regensburg); PubMed 29925512 (cited by Labcorp Genetics (formerly Invitae), Labcorp and Institute of Human Genetics, Univ. Regensburg, Univ. Regensburg); PubMed 32531858 (cited by Women's Health and Genetics/Laboratory Corporation of America, LabCorp and Institute of Human Genetics, Univ. Regensburg, Univ. Regensburg); PubMed 31618761 (cited by Institute of Human Genetics, Univ. Regensburg, Univ. Regensburg); PubMed 31964843 (cited by Institute of Human Genetics, Univ. Regensburg, Univ. Regensburg); PubMed 32307445 (cited by Institute of Human Genetics, Univ. Regensburg, Univ. Regensburg); PubMed 28118664 (cited by Ocular Genomics Institute, Massachusetts Eye and Ear).

NM_000350.3(ABCA4):c.1822T>A (p.Phe608Ile)

Gene: ABCA4 (ATP binding cassette subfamily A member 4; minus strand). Cytogenetic location: 1p22.1.
Variant type: single nucleotide variant.
Coding change: c.1822T>A on transcript NM_000350.3 (MANE Select); coding-DNA position 1822, T replaced by A.
Protein change: p.Phe608Ile; replaces phenylalanine 608 with isoleucine.
Molecular consequence: missense variant.
Genome position (GRCh38, 1-based): chr1:94,062,692, A>T on the plus strand (T>A on the coding strand, the complement: ABCA4 is on the minus strand). VCF-style: chr1-94062692-A-T. GRCh37 (hg19) VCF-style: chr1-94528248-A-T.
Other names: c.1822T>A, p.Phe608Ile (NM_001425324.1); short protein forms F608I.
Identifiers: ClinVar variation 236087 (VCV000236087.59), dbSNP rs61752398, ClinGen allele CA958417.